The following is an entry in ClinVar:

ClinVar aggregate classification (germline): Uncertain significance (1 of 4 stars; one submission).

gnomAD v4.1: 1 of 1,613,622 alleles (0.000062%); highest among the groups gnomAD compares: Non-Finnish European, 0.000085%; no homozygotes.

Submission:

Ambry Genetics
Classification: Uncertain significance. Last evaluated: 2024-06-26. Review status: criteria provided, single submitter. Criteria: Ambry Variant Classification Scheme 2023. Collection method: clinical testing. Allele origin: germline.
Comment: The p.N210K variant (also known as c.630C>G), located in coding exon 6 of the STAP1 gene, results from a C to G substitution at nucleotide position 630. The asparagine at codon 210 is replaced by lysine, an amino acid with similar properties. This amino acid position is conserved. In addition, this alteration is predicted to be tolerated by in silico analysis. Based on the available evidence, the clinical significance of this variant remains unclear.

NM_012108.4(STAP1):c.630C>G (p.Asn210Lys)

Gene: STAP1 (signal transducing adaptor family member 1; plus strand). Cytogenetic location: 4q13.2.
Variant type: single nucleotide variant.
Coding change: c.630C>G on transcript NM_012108.4 (MANE Select); coding-DNA position 630, C replaced by G.
Protein change: p.Asn210Lys; replaces asparagine 210 with lysine.
Molecular consequence: missense variant.
Genome position (GRCh38, 1-based): chr4:67,583,673, C>G. VCF-style: chr4-67583673-C-G. GRCh37 (hg19) VCF-style: chr4-68449391-C-G.
Other names: c.630C>G, p.Asn210Lys (NM_001317769.2); short protein forms N210K.
Identifiers: ClinVar variation 3450259 (VCV003450259.1).
Genomic context (GRCh38, chr4:67,583,673, plus strand): 5'-GCTCCAGAAGAACCCTTCTTTGGGAAATATGATCCTGAGGCCTGGTAGTGACAGTAGAAA[C>G]TACTCCATCACTATTCGGCAGGAGATAGAGTATGTTTATTTTTTTTAAATGTATGGAATT-3'
Protein context (NP_036240.1, residues 200-220): MILRPGSDSR[Asn210Lys]YSITIRQEID